The following is an entry in ClinVar:

NM_006393.3(NEBL):c.2242-307G>A

Gene: NEBL (nebulette; minus strand). Cytogenetic location: 10p12.31.
Variant type: single nucleotide variant.
Coding change: c.2242-307G>A on transcript NM_006393.3 (MANE Select); 307 bases into the intron before coding-DNA position 2242, G replaced by A.
Molecular consequence: intron variant.
Genome position (GRCh38, 1-based): chr10:20,814,350, C>T on the plus strand (G>A on the coding strand, the complement: NEBL is on the minus strand). VCF-style: chr10-20814350-C-T. GRCh37 (hg19) VCF-style: chr10-21103279-C-T.
Other names: c.250-1410G>A (NM_001377326.1, NM_001377327.1, NM_001377328.1); c.358-1410G>A (NM_213569.2, NM_001173484.2, NM_001377322.1); c.301-1410G>A (NM_001377324.1); c.292-1410G>A (NM_001377325.1); c.310-1410G>A (NM_001377323.1).
Identifiers: ClinVar variation 671875 (VCV000671875.1), dbSNP rs193128932, ClinGen allele CA204167442.

ClinVar aggregate classification (germline): Likely benign (1 of 4 stars; one submission).

Allele frequency attached by ClinVar (database versions not stated): 1000 Genomes Project 30x 0.00172; 1000 Genomes Project 0.00180; gnomAD 0.00346 and 0.00381; TOPMed 0.00396.
gnomAD v4.1: 521 of 151,756 alleles (0.34%); highest among the groups gnomAD compares: African/African-American, 1.2%; 2 homozygotes.

Submission:

GeneDx
Classification: Likely benign. Last evaluated: 2018-06-19. Review status: criteria provided, single submitter. Criteria: GeneDx Variant Classification (06012015). Collection method: clinical testing. Allele origin: germline. Affected: yes.
Comment: This variant is considered likely benign or benign based on one or more of the following criteria: it is a conservative change, it occurs at a poorly conserved position in the protein, it is predicted to be benign by multiple in silico algorithms, and/or has population frequency not consistent with disease.